The following is an entry in ClinVar:

ClinVar aggregate classification (germline): Uncertain significance (1 of 4 stars; one submission).

Submission:

Labcorp Genetics (formerly Invitae), Labcorp
Classification: Uncertain significance. Last evaluated: 2021-07-15. Review status: criteria provided, single submitter. Criteria: Invitae Variant Classification Sherloc (09022015). Collection method: clinical testing. Allele origin: germline.
Comment: In summary, the available evidence is currently insufficient to determine the role of this variant in disease. Therefore, it has been classified as a Variant of Uncertain Significance. Advanced modeling of protein sequence and biophysical properties (such as structural, functional, and spatial information, amino acid conservation, physicochemical variation, residue mobility, and thermodynamic stability) performed at Invitae indicates that this missense variant is not expected to disrupt EARS2 protein function. This sequence change replaces alanine with threonine at codon 36 of the EARS2 protein (p.Ala36Thr). The alanine residue is weakly conserved and there is a small physicochemical difference between alanine and threonine. This variant is not present in population databases (ExAC no frequency). This variant has not been reported in the literature in individuals affected with EARS2-related conditions.

NM_001083614.2(EARS2):c.106G>A (p.Ala36Thr)

Genes: EARS2 (glutamyl-tRNA synthetase 2, mitochondrial; minus strand), LOC130058664 (ATAC-STARR-seq lymphoblastoid active region 10583; plus strand). Cytogenetic location: 16p12.2.
Variant type: single nucleotide variant.
Coding change: c.106G>A on transcript NM_001083614.2 (MANE Select); coding-DNA position 106, G replaced by A.
Protein change: p.Ala36Thr; replaces alanine 36 with threonine.
Molecular consequence: missense variant. On other transcripts: non-coding transcript variant (1).
Genome position (GRCh38, 1-based): chr16:23,557,238, C>T on the plus strand (G>A on the coding strand, the complement: EARS2 is on the minus strand). VCF-style: chr16-23557238-C-T. GRCh37 (hg19) VCF-style: chr16-23568559-C-T.
Other names: c.106G>A, p.Ala36Thr (NM_001308211.1); short protein forms A36T.
Identifiers: ClinVar variation 1496166 (VCV001496166.8), dbSNP rs1218730130, ClinGen allele CA395142423.